The following is an entry in ClinVar:

NM_203395.3(IYD):c.69C>G (p.Ala23=)

Gene: IYD (iodotyrosine deiodinase; plus strand). Cytogenetic location: 6q25.1.
Variant type: single nucleotide variant.
Coding change: c.69C>G on transcript NM_203395.3 (MANE Select); coding-DNA position 69, C replaced by G.
Protein change: p.Ala23=; no amino-acid change (alanine 23 retained).
Molecular consequence: synonymous variant. On other transcripts: 5 prime UTR variant (1), non-coding transcript variant (1).
Genome position (GRCh38, 1-based): chr6:150,369,100, C>G. VCF-style: chr6-150369100-C-G. GRCh37 (hg19) VCF-style: chr6-150690236-C-G.
Other names: c.69C>G, p.Ala23= (NM_001164694.2, NM_001164695.2); c.-110C>G (NM_001318495.2); c.69C>G (NM_001164694.1).
Identifiers: ClinVar variation 709827 (VCV000709827.5), dbSNP rs138283020, ClinGen allele CA4046908.

ClinVar aggregate classification (germline): Likely benign. Review status: criteria provided, single submitter (1 of 4 stars). 2 submissions from 2 submitters: Likely benign (1). 1 of the submissions does not count toward it. Last evaluated 2017-07-21.

Conditions:
IYD-related disorder. Also called: IYD-related condition.

Allele frequency attached by ClinVar (database versions not stated): gnomAD 0.00057; TOPMed 0.00053; 1000 Genomes Project 30x 0.00062; ESP Exome Variant Server 0.00031; 1000 Genomes Project 0.00060.
gnomAD v4.1: 204 of 1,613,724 alleles (0.013%); highest among the groups gnomAD compares: African/African-American, 0.24%; no homozygotes.

Submissions (2):

Labcorp Genetics (formerly Invitae), Labcorp
Classification: Likely benign. Last evaluated: 2017-07-21. Review status: criteria provided, single submitter. Criteria: Invitae Variant Classification Sherloc (09022015). Collection method: clinical testing. Allele origin: germline.

PreventionGenetics, part of Exact Sciences
Classification: Likely benign for IYD-related condition. Last evaluated: 2019-05-01. Review status: no assertion criteria provided. Collection method: clinical testing. Allele origin: germline. Not counted in ClinVar's aggregate classification.
Comment: This variant is classified as likely benign based on ACMG/AMP sequence variant interpretation guidelines (Richards et al. 2015 PMID: 25741868, with internal and published modifications).